The following is an entry in ClinVar:

ClinVar aggregate classification (germline): Uncertain significance (1 of 4 stars; one submission).

Allele frequency attached by ClinVar (database versions not stated): ExAC 0.00002; gnomAD 0.00002; gnomAD exomes 0.00001.
gnomAD v4.1: 22 of 1,613,868 alleles (0.0014%); highest among the groups gnomAD compares: Admixed American, 0.0033%; no homozygotes.

Submission:

GeneDx
Classification: Uncertain significance. Last evaluated: 2019-03-19. Review status: criteria provided, single submitter. Criteria: GeneDx Variant Classification Process June 2021. Collection method: clinical testing. Allele origin: germline. Affected: yes.
Comment: In silico analysis, which includes protein predictors and evolutionary conservation, supports that this variant does not alter protein structure/function; Has not been previously published as pathogenic or benign to our knowledge

NM_017433.5(MYO3A):c.3973C>T (p.Arg1325Cys)

Gene: MYO3A (myosin IIIA; plus strand). Cytogenetic location: 10p12.1.
Variant type: single nucleotide variant.
Coding change: c.3973C>T on transcript NM_017433.5 (MANE Select); coding-DNA position 3973, C replaced by T.
Protein change: p.Arg1325Cys; replaces arginine 1325 with cysteine.
Molecular consequence: missense variant.
Genome position (GRCh38, 1-based): chr10:26,174,237, C>T. VCF-style: chr10-26174237-C-T. GRCh37 (hg19) VCF-style: chr10-26463166-C-T.
Other names: short protein forms R1325C.
Identifiers: ClinVar variation 1308143 (VCV001308143.2), dbSNP rs767960720, ClinGen allele CA5445353.